The following is an entry in ClinVar:

NM_000093.5(COL5A1):c.680T>C (p.Val227Ala)

Gene: COL5A1 (collagen type V alpha 1 chain; plus strand). Cytogenetic location: 9q34.3.
Variant type: single nucleotide variant.
Coding change: c.680T>C on transcript NM_000093.5 (MANE Select); coding-DNA position 680, T replaced by C.
Protein change: p.Val227Ala; replaces valine 227 with alanine.
Molecular consequence: missense variant.
Genome position (GRCh38, 1-based): chr9:134,727,291, T>C. VCF-style: chr9-134727291-T-C. GRCh37 (hg19) VCF-style: chr9-137619137-T-C.
Other names: c.680T>C, p.Val227Ala (NM_001278074.1); short protein forms V227A.
Identifiers: ClinVar variation 618037 (VCV000618037.36), dbSNP rs376144196, ClinGen allele CA5318491.
Genomic context (GRCh38, chr9:134,727,291, plus strand): 5'-GAGCTGCTTTTTCATGAGCGTCTCTTCTTTTCCAGGGTGACATCCAGCAGCTGCTCTTTG[T>C]CTCGGACCACCGGGCAGCTTATGATTACTGTGAGCACTACAGCCCTGACTGTGACACCGC-3'
Protein context (NP_000084.3, residues 217-237): FEGDIQQLLF[Val227Ala]SDHRAAYDYC

ClinVar aggregate classification (germline): Conflicting classifications of pathogenicity. Review status: criteria provided, conflicting classifications (1 of 4 stars). 6 submissions from 6 submitters: Uncertain significance (3); Benign (1); Likely benign (2). Last evaluated 2026-01-21.

Conditions:
Familial thoracic aortic aneurysm and aortic dissection (TAAD). Also called: Thoracic aortic aneurysms and dissections. Identifiers: Orphanet 91387, MedGen C4707243, MONDO:0019625.
Ehlers-Danlos syndrome, classic type, 1 (EDSCL1). Also called: Ehlers-Danlos Syndrome, Classic Type, COL5A1-Related; EDS I; Ehlers-Danlos syndrome, type 1; EHLERS-DANLOS SYNDROME, GRAVIS TYPE; EHLERS-DANLOS SYNDROME, SEVERE CLASSIC TYPE. Identifiers: MedGen C0268335, MONDO:0019567, OMIM 130000.

Allele frequency attached by ClinVar (database versions not stated): gnomAD exomes 0.00002; ExAC 0.00003; TOPMed 0.00014; gnomAD 0.00015.
gnomAD v4.1: 75 of 1,613,980 alleles (0.0046%); highest among the groups gnomAD compares: African/African-American, 0.065%; no homozygotes.

Submissions (6):

Ambry Genetics
Classification: Uncertain significance for Familial thoracic aortic aneurysm and aortic dissection. Last evaluated: 2026-01-21. Review status: criteria provided, single submitter. Criteria: Ambry Variant Classification Scheme 2023. Collection method: clinical testing. Allele origin: germline.

Labcorp Genetics (formerly Invitae), Labcorp
Classification: Benign for Ehlers-Danlos syndrome, classic type, 1. Last evaluated: 2025-12-08. Review status: criteria provided, single submitter. Criteria: Invitae Variant Classification Sherloc (09022015). Collection method: clinical testing. Allele origin: germline.

Women's Health and Genetics/Laboratory Corporation of America, LabCorp
Classification: Likely benign. Last evaluated: 2025-09-24. Review status: criteria provided, single submitter. Criteria: LabCorp Variant Classification Summary - May 2015. Collection method: clinical testing. Allele origin: germline.
Comment: Variant summary: COL5A1 c.680T>C (p.Val227Ala) results in a non-conservative amino acid change in the encoded protein sequence. Algorithms developed to predict the effect of missense changes on protein structure and function are either unavailable or do not agree on the potential impact of this missense change. The variant allele was found at a frequency of 3.9e-05 in 282830 control chromosomes, predominantly at a frequency of 0.00036 within the African or African-American subpopulation in the gnomAD database v2. A total of 75 heterozygotes in gnomAD v4 were reported. The available data on variant occurrences in the general population are insufficient to allow any conclusion about variant significance. To our knowledge, no occurrence of c.680T>C in individuals affected with COL5A1-related conditions and no experimental evidence demonstrating its impact on protein function have been reported. ClinVar contains an entry for this variant (Variation ID: 618037). Based on the evidence outlined above, the variant was classified as likely benign.

CeGaT Center for Human Genetics Tuebingen
Classification: Likely benign. Last evaluated: 2025-02-01. Review status: criteria provided, single submitter. Criteria: CeGaT Center For Human Genetics Tuebingen Variant Classification Criteria Version 2. Collection method: clinical testing. Allele origin: germline. Affected: yes. Observed: 1 variant allele.
Comment: COL5A1: BS2

GeneDx
Classification: Uncertain significance. Last evaluated: 2023-11-22. Review status: criteria provided, single submitter. Criteria: GeneDx Variant Classification Process June 2021. Collection method: clinical testing. Allele origin: germline. Affected: yes.
Comment: Has not been previously published as pathogenic or benign to our knowledge; In silico analysis supports that this missense variant does not alter protein structure/function; Not located in the triple helical region, where the majority of pathogenic missense variants occur (PMID: 22696272); This variant is associated with the following publications: (PMID: 22696272)

ARUP Laboratories, Molecular Genetics and Genomics, ARUP Laboratories
Classification: Uncertain significance. Last evaluated: 2017-08-27. Review status: criteria provided, single submitter. Criteria: ARUP Molecular Germline Variant Investigation Process. Collection method: clinical testing. Allele origin: germline.